The following is an entry in ClinVar:

ClinVar aggregate classification (germline): Uncertain significance. Review status: criteria provided, multiple submitters, no conflicts (2 of 4 stars). 5 submissions from 4 submitters: Uncertain significance (5). Last evaluated 2026-01-04.

Conditions:
Facial dysmorphism-immunodeficiency-livedo-short stature syndrome. Also called: Facial dysmorphism, immunodeficiency, livedo, and short stature; FILS syndrome. Identifiers: Orphanet 352712, MedGen C3554576, MONDO:0014058, OMIM 615139.
Colorectal cancer, susceptibility to, 12 (CRCS12). Also called: COLORECTAL CANCER, SUSCEPTIBILITY TO, ON CHROMOSOME 12q24. Identifiers: Orphanet 220460, MedGen C3554460, MONDO:0014038, OMIM 615083.
Intrauterine growth retardation, metaphyseal dysplasia, adrenal hypoplasia congenita, genital anomalies, and immunodeficiency. Also called: IMAGEI SYNDROME. Identifiers: MedGen C5193036, MONDO:0032684, OMIM 618336.
Hereditary cancer-predisposing syndrome. Also called: Hereditary Cancer Syndrome; Hereditary neoplastic syndrome; Neoplastic Syndromes, Hereditary; Tumor predisposition. Identifiers: Orphanet 140162, MedGen C0027672, MeSH D009386, MONDO:0015356.

Allele frequency attached by ClinVar (database versions not stated): gnomAD 0.00001; ExAC 0.00002; gnomAD exomes 0.00003; TOPMed 0.00004.
gnomAD v4.1: 8 of 1,613,884 alleles (0.0005%); highest among the groups gnomAD compares: East Asian, 0.016%; no homozygotes.

Submissions (5):

Labcorp Genetics (formerly Invitae), Labcorp
Classification: Uncertain significance. Last evaluated: 2026-01-04. Review status: criteria provided, single submitter. Criteria: Invitae Variant Classification Sherloc (09022015). Collection method: clinical testing. Allele origin: germline.
Comment: This sequence change replaces aspartic acid, which is acidic and polar, with alanine, which is neutral and non-polar, at codon 89 of the POLE protein (p.Asp89Ala). This variant is present in population databases (rs756843283, gnomAD 0.04%). This variant has not been reported in the literature in individuals affected with POLE-related conditions. ClinVar contains an entry for this variant (Variation ID: 405904). Invitae Evidence Modeling of protein sequence and biophysical properties (such as structural, functional, and spatial information, amino acid conservation, physicochemical variation, residue mobility, and thermodynamic stability) indicates that this missense variant is not expected to disrupt POLE protein function with a negative predictive value of 80%. In summary, the available evidence is currently insufficient to determine the role of this variant in disease. Therefore, it has been classified as a Variant of Uncertain Significance.

Ambry Genetics
Classification: Uncertain significance for Hereditary cancer-predisposing syndrome. Last evaluated: 2025-06-07. Review status: criteria provided, single submitter. Criteria: Ambry Variant Classification Scheme 2023. Collection method: clinical testing. Allele origin: germline.

Fulgent Genetics
Classification: Uncertain significance for Colorectal cancer, susceptibility to, 12; Facial dysmorphism-immunodeficiency-livedo-short stature syndrome; Intrauterine growth retardation, metaphyseal dysplasia, adrenal hypoplasia congenita, genital anomalies, and immunodeficiency. Last evaluated: 2024-04-10. Review status: criteria provided, single submitter. Criteria: ACMG Guidelines, 2015. Collection method: clinical testing. Allele origin: germline.

Fulgent Genetics
Classification: Uncertain significance for Colorectal cancer, susceptibility to, 12; Facial dysmorphism-immunodeficiency-livedo-short stature syndrome. Last evaluated: 2018-10-31. Review status: criteria provided, single submitter. Criteria: ACMG Guidelines, 2015. Collection method: clinical testing. Allele origin: unknown.

Quest Diagnostics Nichols Institute San Juan Capistrano
Classification: Uncertain significance. Last evaluated: 2016-12-28. Review status: criteria provided, single submitter. Criteria: Quest Diagnostics criteria. Collection method: clinical testing. Allele origin: germline.

NM_006231.4(POLE):c.266A>C (p.Asp89Ala)

Gene: POLE (DNA polymerase epsilon, catalytic subunit; minus strand). Cytogenetic location: 12q24.33.
Variant type: single nucleotide variant.
Coding change: c.266A>C on transcript NM_006231.4 (MANE Select); coding-DNA position 266, A replaced by C.
Protein change: p.Asp89Ala; replaces aspartic acid 89 with alanine.
Molecular consequence: missense variant.
Genome position (GRCh38, 1-based): chr12:132,680,626, T>G on the plus strand (A>C on the coding strand, the complement: POLE is on the minus strand). VCF-style: chr12-132680626-T-G. GRCh37 (hg19) VCF-style: chr12-133257212-T-G.
Other names: short protein forms D89A.
Identifiers: ClinVar variation 405904 (VCV000405904.15), dbSNP rs756843283, ClinGen allele CA6894398.